The following is an entry in ClinVar:

NM_000540.3(RYR1):c.6953del (p.Tyr2318fs)

Gene: RYR1 (ryanodine receptor 1; plus strand). Cytogenetic location: 19q13.2.
Variant type: Deletion.
Coding change: c.6953del on transcript NM_000540.3 (MANE Select); coding-DNA position 6953, one base deleted (A; older notation c.6953delA).
Protein change: p.Tyr2318fs; shifts the reading frame from tyrosine 2318.
Molecular consequence: frameshift variant.
Genome position (GRCh38, 1-based): chr19:38,499,169, A deleted. VCF-style (leftmost placement, unchanged base first): chr19-38499168-TA-T. GRCh37 (hg19) VCF-style: chr19-38989808-TA-T.
Other names: c.6953del, p.Tyr2318fs (NM_001042723.2); short protein forms Y2318fs.
Identifiers: ClinVar variation 3638696 (VCV003638696.2).

ClinVar aggregate classification (germline): Pathogenic (1 of 4 stars; one submission).

Conditions:
RYR1-related disorder. Also called: RYR1-related condition; RYR1-related disorders. Identifiers: MedGen CN239331.

Submission:

Labcorp Genetics (formerly Invitae), Labcorp
Classification: Pathogenic for RYR1-related disorder. Last evaluated: 2024-02-03. Review status: criteria provided, single submitter. Criteria: Invitae Variant Classification Sherloc (09022015). Collection method: clinical testing. Allele origin: germline.
Comment: This sequence change creates a premature translational stop signal (p.Tyr2318Serfs*112) in the RYR1 gene. It is expected to result in an absent or disrupted protein product. Loss-of-function variants in RYR1 are known to be pathogenic (PMID: 23919265, 25960145, 28818389, 30611313). This variant is not present in population databases (gnomAD no frequency). This variant has not been reported in the literature in individuals affected with RYR1-related conditions. For these reasons, this variant has been classified as Pathogenic.

Literature cited by the submitters: PubMed 23919265; PubMed 25960145; PubMed 28818389; PubMed 30611313.